The following is an entry in ClinVar:

NM_032520.5(GNPTG):c.814A>G (p.Arg272Gly)

Gene: GNPTG (N-acetylglucosamine-1-phosphate transferase subunit gamma; plus strand). Cytogenetic location: 16p13.3.
Variant type: single nucleotide variant.
Coding change: c.814A>G on transcript NM_032520.5 (MANE Select); coding-DNA position 814, A replaced by G.
Protein change: p.Arg272Gly; replaces arginine 272 with glycine.
Molecular consequence: missense variant.
Genome position (GRCh38, 1-based): chr16:1,362,897, A>G. VCF-style: chr16-1362897-A-G. GRCh37 (hg19) VCF-style: chr16-1412898-A-G.
Other names: short protein forms R272G.
Identifiers: ClinVar variation 718947 (VCV000718947.15), dbSNP rs8062558, ClinGen allele CA7807962.
Genomic context (GRCh38, chr16:1,362,897, plus strand): 5'-CTCTCAAAGGAGATCAAAAGGCTGAAAGGTTTGCTCACCCAGCACGGCATCCCCTACACG[A>G]GGCCCACAGGTGAGTCACCTGTGGGGAGAGGGCCAGGCTCACCATCACACTCGCCACCTG-3'
Protein context (NP_115909.1, residues 262-282): LLTQHGIPYT[Arg272Gly]PTETSNLEHL

ClinVar aggregate classification (germline): Benign/Likely benign. Review status: criteria provided, multiple submitters, no conflicts (2 of 4 stars). 4 submissions from 4 submitters: Benign (1); Likely benign (1). 2 of the submissions do not count toward it. Last evaluated 2026-02-02.

Conditions:
GNPTG-mucolipidosis. Also called: MUCOLIPIDOSIS III, COMPLEMENTATION GROUP C; MUCOLIPIDOSIS III, IRANIAN VARIANT FORM; MUCOLIPIDOSIS III, VARIANT FORM; ML III GAMMA; ML IIIC; Mucolipidosis type III gamma. Identifiers: Orphanet 423470, Orphanet 577, MedGen C1854896, MONDO:0009652, OMIM 252605.
GNPTG-related disorder. Also called: GNPTG-related condition.

Allele frequency attached by ClinVar (database versions not stated): gnomAD exomes 0.00018 and 0.00037; ExAC 0.00044; gnomAD 0.00128; ESP Exome Variant Server 0.00200; TOPMed 0.00208; 1000 Genomes Project 0.00260; 1000 Genomes Project 30x 0.00281.
gnomAD v4.1: 543 of 1,614,112 alleles (0.034%); highest among the groups gnomAD compares: African/African-American, 0.61%; 2 homozygotes.

Submissions (4):

Labcorp Genetics (formerly Invitae), Labcorp
Classification: Likely benign. Last evaluated: 2026-02-02. Review status: criteria provided, single submitter. Criteria: Invitae Variant Classification Sherloc (09022015). Collection method: clinical testing. Allele origin: germline.

Blueprint Genetics
Classification: Benign. Last evaluated: 2024-10-18. Review status: criteria provided, single submitter. Criteria: ACMG Guidelines, 2015. Collection method: clinical testing. Allele origin: germline.

PreventionGenetics, part of Exact Sciences
Classification: Likely benign for GNPTG-related condition. Last evaluated: 2020-12-16. Review status: no assertion criteria provided. Collection method: clinical testing. Allele origin: germline. Not counted in ClinVar's aggregate classification.
Comment: This variant is classified as likely benign based on ACMG/AMP sequence variant interpretation guidelines (Richards et al. 2015 PMID: 25741868, with internal and published modifications).

Natera, Inc.
Classification: Likely benign for Mucolipidosis III gamma. Last evaluated: 2020-09-16. Review status: no assertion criteria provided. Collection method: clinical testing. Allele origin: germline. Not counted in ClinVar's aggregate classification.